The following is an entry in ClinVar:

NM_016111.4(TELO2):c.580C>T (p.Arg194Trp)

Gene: TELO2 (telomere maintenance 2; plus strand). Cytogenetic location: 16p13.3.
Variant type: single nucleotide variant.
Coding change: c.580C>T on transcript NM_016111.4 (MANE Select); coding-DNA position 580, C replaced by T.
Protein change: p.Arg194Trp; replaces arginine 194 with tryptophan.
Molecular consequence: missense variant.
Genome position (GRCh38, 1-based): chr16:1,495,590, C>T. VCF-style: chr16-1495590-C-T. GRCh37 (hg19) VCF-style: chr16-1545591-C-T.
Other names: c.580C>T, p.Arg194Trp (NM_001351846.2); c.580C>T (NM_016111.3); short protein forms R194W.
Identifiers: ClinVar variation 2071658 (VCV002071658.3), dbSNP rs147163622, ClinGen allele CA7811679.

ClinVar aggregate classification (germline): Uncertain significance. Review status: criteria provided, multiple submitters, no conflicts (2 of 4 stars). 2 submissions from 2 submitters: Uncertain significance (2). Last evaluated 2024-08-20.

Conditions:
Inborn genetic diseases. Identifiers: MedGen C0950123, MeSH D030342.

Allele frequency attached by ClinVar (database versions not stated): ExAC 0.00003; ESP Exome Variant Server 0.00008; TOPMed 0.00008.
gnomAD v4.1: 72 of 1,606,384 alleles (0.0045%); highest among the groups gnomAD compares: African/African-American, 0.017%; no homozygotes.

Submissions (2):

Ambry Genetics
Classification: Uncertain significance for Inborn genetic diseases. Last evaluated: 2024-08-20. Review status: criteria provided, single submitter. Criteria: Ambry Variant Classification Scheme 2023. Collection method: clinical testing. Allele origin: germline.

Labcorp Genetics (formerly Invitae), Labcorp
Classification: Uncertain significance. Last evaluated: 2023-08-04. Review status: criteria provided, single submitter. Criteria: Invitae Variant Classification Sherloc (09022015). Collection method: clinical testing. Allele origin: germline.
Comment: This sequence change replaces arginine, which is basic and polar, with tryptophan, which is neutral and slightly polar, at codon 194 of the TELO2 protein (p.Arg194Trp). This variant is present in population databases (rs147163622, gnomAD 0.03%). This variant has not been reported in the literature in individuals affected with TELO2-related conditions. ClinVar contains an entry for this variant (Variation ID: 2071658). Advanced modeling of protein sequence and biophysical properties (such as structural, functional, and spatial information, amino acid conservation, physicochemical variation, residue mobility, and thermodynamic stability) performed at Invitae indicates that this missense variant is expected to disrupt TELO2 protein function. In summary, the available evidence is currently insufficient to determine the role of this variant in disease. Therefore, it has been classified as a Variant of Uncertain Significance.